The following is an entry in ClinVar:

ClinVar aggregate classification (germline): Likely benign (0 of 4 stars; one submission).

Conditions:
SLC19A2-related disorder. Also called: SLC19A2-related condition.

Allele frequency attached by ClinVar (database versions not stated): ExAC 0.00001; gnomAD 0.00001; 1000 Genomes Project 30x 0.00016; 1000 Genomes Project 0.00020.
gnomAD v4.1: 1 of 1,613,950 alleles (0.000062%); highest among the groups gnomAD compares: African/African-American, 0.0013%; no homozygotes.

Submission:

PreventionGenetics, part of Exact Sciences
Classification: Likely benign for SLC19A2-related condition. Last evaluated: 2019-02-19. Review status: no assertion criteria provided. Collection method: clinical testing. Allele origin: germline.
Comment: This variant is classified as likely benign based on ACMG/AMP sequence variant interpretation guidelines (Richards et al. 2015 PMID: 25741868, with internal and published modifications).

NM_006996.3(SLC19A2):c.1179T>C (p.Tyr393=)

Gene: SLC19A2 (solute carrier family 19 member 2; minus strand). Cytogenetic location: 1q24.2.
Variant type: single nucleotide variant.
Coding change: c.1179T>C on transcript NM_006996.3 (MANE Select); coding-DNA position 1179, T replaced by C.
Protein change: p.Tyr393=; no amino-acid change (tyrosine 393 retained).
Molecular consequence: synonymous variant.
Genome position (GRCh38, 1-based): chr1:169,468,688, A>G on the plus strand (T>C on the coding strand, the complement: SLC19A2 is on the minus strand). VCF-style: chr1-169468688-A-G. GRCh37 (hg19) VCF-style: chr1-169437926-A-G.
Other names: c.576T>C, p.Tyr192= (NM_001319667.1).
Identifiers: ClinVar variation 3057710 (VCV003057710.2), dbSNP rs558610619, ClinGen allele CA1232904.